The following is an entry in ClinVar:

NM_001369268.1(ACAN):c.1747G>A (p.Ala583Thr)

Gene: ACAN (aggrecan; plus strand). Cytogenetic location: 15q26.1.
Variant type: single nucleotide variant.
Coding change: c.1747G>A on transcript NM_001369268.1 (MANE Select); coding-DNA position 1747, G replaced by A.
Protein change: p.Ala583Thr; replaces alanine 583 with threonine.
Molecular consequence: missense variant.
Genome position (GRCh38, 1-based): chr15:88,849,452, G>A. VCF-style: chr15-88849452-G-A. GRCh37 (hg19) VCF-style: chr15-89392683-G-A.
Other names: c.1747G>A, p.Ala583Thr (NM_001135.4, NM_001411096.1, NM_001411097.1 and 1 more transcripts); c.1747G>A (NM_013227.3); short protein forms A583T.
Identifiers: ClinVar variation 2891795 (VCV002891795.4), dbSNP rs747278710, ClinGen allele CA7719680.

ClinVar aggregate classification (germline): Uncertain significance. Review status: criteria provided, multiple submitters, no conflicts (2 of 4 stars). 2 submissions from 2 submitters: Uncertain significance (2). Last evaluated 2025-04-30.

Conditions:
Inborn genetic diseases. Identifiers: MedGen C0950123, MeSH D030342.

Allele frequency attached by ClinVar (database versions not stated): gnomAD exomes 0.00001; gnomAD 0.00003; ExAC 0.00006.
gnomAD v4.1: 25 of 1,590,594 alleles (0.0016%); highest among the groups gnomAD compares: East Asian, 0.02%; no homozygotes.

Submissions (2):

Ambry Genetics
Classification: Uncertain significance for Inborn genetic diseases. Last evaluated: 2025-04-30. Review status: criteria provided, single submitter. Criteria: Ambry Variant Classification Scheme 2023. Collection method: clinical testing. Allele origin: germline.

Labcorp Genetics (formerly Invitae), Labcorp
Classification: Uncertain significance. Last evaluated: 2023-12-02. Review status: criteria provided, single submitter. Criteria: Invitae Variant Classification Sherloc (09022015). Collection method: clinical testing. Allele origin: germline.
Comment: This sequence change replaces alanine, which is neutral and non-polar, with threonine, which is neutral and polar, at codon 583 of the ACAN protein (p.Ala583Thr). This variant is present in population databases (rs747278710, gnomAD 0.04%). This variant has not been reported in the literature in individuals affected with ACAN-related conditions. Advanced modeling of protein sequence and biophysical properties (such as structural, functional, and spatial information, amino acid conservation, physicochemical variation, residue mobility, and thermodynamic stability) performed at Invitae indicates that this missense variant is not expected to disrupt ACAN protein function with a negative predictive value of 80%. In summary, the available evidence is currently insufficient to determine the role of this variant in disease. Therefore, it has been classified as a Variant of Uncertain Significance.